The following is an entry in ClinVar:

NM_030912.3(TRIM8):c.1564A>T (p.Arg522Ter)

Gene: TRIM8 (tripartite motif containing 8; plus strand). Cytogenetic location: 10q24.32.
Variant type: single nucleotide variant.
Coding change: c.1564A>T on transcript NM_030912.3 (MANE Select); coding-DNA position 1564, A replaced by T.
Protein change: p.Arg522Ter; replaces arginine 522 with a stop codon.
Molecular consequence: nonsense. On other transcripts: non-coding transcript variant (1).
Genome position (GRCh38, 1-based): chr10:102,657,262, A>T. VCF-style: chr10-102657262-A-T. GRCh37 (hg19) VCF-style: chr10-104417019-A-T.
Other names: c.1468A>T, p.Arg490Ter (NM_001345950.1); short protein forms R490*, R522*.
Identifiers: ClinVar variation 3573844 (VCV003573844.1).

ClinVar aggregate classification (germline): Uncertain significance (1 of 4 stars; one submission).

Submission:

GeneDx
Classification: Uncertain significance. Last evaluated: 2024-07-17. Review status: criteria provided, single submitter. Criteria: GeneDx Variant Classification Process June 2021. Collection method: clinical testing. Allele origin: germline. Affected: yes.
Comment: Nonsense variant predicted to result in protein truncation as the last 30 amino acids are lost, although loss-of-function variants have not been reported downstream of this position in the protein; Not observed at significant frequency in large population cohorts (gnomAD); Has not been previously published as pathogenic or benign to our knowledge